The following is an entry in ClinVar:

NM_001122630.2(CDKN1C):c.*5+13C>T

Gene: CDKN1C (cyclin dependent kinase inhibitor 1C; minus strand). Cytogenetic location: 11p15.4.
Variant type: single nucleotide variant.
Coding change: c.*5+13C>T on transcript NM_001122630.2 (MANE Select); 13 bases into the intron after 5 bases downstream of the stop codon, C replaced by T.
Molecular consequence: intron variant.
Genome position (GRCh38, 1-based): chr11:2,883,986, G>A on the plus strand (C>T on the coding strand, the complement: CDKN1C is on the minus strand). VCF-style: chr11-2883986-G-A. GRCh37 (hg19) VCF-style: chr11-2905216-G-A.
Other names: c.391+13C>T (NM_001362475.2); c.*5+13C>T (NM_001122631.2, NM_001362474.2, NM_000076.2).
Identifiers: ClinVar variation 3050607 (VCV003050607.2), dbSNP rs765026706, ClinGen allele CA5822135.

ClinVar aggregate classification (germline): Likely benign (0 of 4 stars; one submission).

Conditions:
CDKN1C-related disorder. Also called: CDKN1C-related condition.

Allele frequency attached by ClinVar (database versions not stated): gnomAD exomes below 0.00001.
gnomAD v4.1: 6 of 1,560,686 alleles (0.00038%); highest among the groups gnomAD compares: South Asian, 0.007%; no homozygotes.

Submission:

PreventionGenetics, part of Exact Sciences
Classification: Likely benign for CDKN1C-related condition. Last evaluated: 2022-05-06. Review status: no assertion criteria provided. Collection method: clinical testing. Allele origin: germline.
Comment: This variant is classified as likely benign based on ACMG/AMP sequence variant interpretation guidelines (Richards et al. 2015 PMID: 25741868, with internal and published modifications).